The following is an entry in ClinVar:

NM_006939.4(SOS2):c.2057+273G>A

Gene: SOS2 (SOS Ras/Rho guanine nucleotide exchange factor 2; minus strand). Cytogenetic location: 14q21.3.
Variant type: single nucleotide variant.
Coding change: c.2057+273G>A on transcript NM_006939.4 (MANE Select); 273 bases into the intron after coding-DNA position 2057, G replaced by A.
Molecular consequence: intron variant.
Genome position (GRCh38, 1-based): chr14:50,156,726, C>T on the plus strand (G>A on the coding strand, the complement: SOS2 is on the minus strand). VCF-style: chr14-50156726-C-T. GRCh37 (hg19) VCF-style: chr14-50623444-C-T.
Identifiers: ClinVar variation 561929 (VCV000561929.2), dbSNP rs17122199, ClinGen allele CA260733886.

ClinVar aggregate classification (germline): Benign. Review status: criteria provided, multiple submitters, no conflicts (2 of 4 stars). 2 submissions from 2 submitters: Benign (2). Last evaluated 2018-06-16.

Allele frequency attached by ClinVar (database versions not stated): gnomAD exomes 0.00383; gnomAD 0.02704 and 0.02898; TOPMed 0.03114; 1000 Genomes Project 0.03155; 1000 Genomes Project 30x 0.03264.
gnomAD v4.1: 4,147 of 169,302 alleles (2.4%); highest among the groups gnomAD compares: African/African-American, 9.1%; 196 homozygotes.

Submissions (2):

GeneDx
Classification: Benign. Last evaluated: 2018-06-16. Review status: criteria provided, single submitter. Criteria: GeneDx Variant Classification (06012015). Collection method: clinical testing. Allele origin: germline. Affected: yes.
Comment: This variant is considered likely benign or benign based on one or more of the following criteria: it is a conservative change, it occurs at a poorly conserved position in the protein, it is predicted to be benign by multiple in silico algorithms, and/or has population frequency not consistent with disease.

Breakthrough Genomics
Classification: Benign. Review status: criteria provided, single submitter. Criteria: ACMG Guidelines, 2015. Collection method: not provided. Allele origin: germline. Inheritance: Autosomal dominant inheritance. Affected: yes.